The following is an entry in ClinVar:

NM_001145319.2(PLS1):c.438A>G (p.Ile146Met)

Gene: PLS1 (plastin 1; plus strand). Cytogenetic location: 3q23.
Variant type: single nucleotide variant.
Coding change: c.438A>G on transcript NM_001145319.2 (MANE Select); coding-DNA position 438, A replaced by G.
Protein change: p.Ile146Met; replaces isoleucine 146 with methionine.
Molecular consequence: missense variant.
Genome position (GRCh38, 1-based): chr3:142,676,230, A>G. VCF-style: chr3-142676230-A-G. GRCh37 (hg19) VCF-style: chr3-142395072-A-G.
Other names: c.438A>G, p.Ile146Met (NM_001172312.2, NM_002670.3); c.438A>G (NM_001145319.1); short protein forms I146M.
Identifiers: ClinVar variation 1263460 (VCV001263460.5), dbSNP rs35710125, ClinGen allele CA2651032.
Genomic context (GRCh38, chr3:142,676,230, plus strand): 5'-GGCTTTTGTTAACTGGATAAACAAAGCCCTGGAGAATGACCCTGACTGTAAGCATCTTAT[A>G]CCCATGAATCCCAATGATGATAGTCTTTTCAAGTCACTTGCAGATGGCATCCTTCTTTGG-3'
Protein context (NP_001138791.1, residues 136-156): LENDPDCKHL[Ile146Met]PMNPNDDSLF

ClinVar aggregate classification (germline): Benign. Review status: criteria provided, multiple submitters, no conflicts (2 of 4 stars). 3 submissions from 3 submitters: Benign (2). 1 of the submissions does not count toward it. Last evaluated 2021-05-06.

Conditions:
PLS1-related disorder. Also called: PLS1-related condition.

Allele frequency attached by ClinVar (database versions not stated): gnomAD exomes 0.00174 and 0.00469; ExAC 0.00568; gnomAD 0.01829 and 0.01951; 1000 Genomes Project 0.01957; TOPMed 0.01999; ESP Exome Variant Server 0.02091; 1000 Genomes Project 30x 0.02139.
gnomAD v4.1: 5,455 of 1,613,056 alleles (0.34%); highest among the groups gnomAD compares: African/African-American, 6.2%; 148 homozygotes.

Submissions (3):

GeneDx
Classification: Benign. Last evaluated: 2021-05-06. Review status: criteria provided, single submitter. Criteria: GeneDx Variant Classification Process June 2021. Collection method: clinical testing. Allele origin: germline. Affected: yes.

Breakthrough Genomics
Classification: Benign. Review status: criteria provided, single submitter. Criteria: ACMG Guidelines, 2015. Collection method: not provided. Allele origin: germline. Inheritance: Autosomal dominant inheritance. Affected: yes.

PreventionGenetics, part of Exact Sciences
Classification: Benign for PLS1-related condition. Last evaluated: 2019-11-06. Review status: no assertion criteria provided. Collection method: clinical testing. Allele origin: germline. Not counted in ClinVar's aggregate classification.
Comment: This variant is classified as benign based on ACMG/AMP sequence variant interpretation guidelines (Richards et al. 2015 PMID: 25741868, with internal and published modifications).